The following is an entry in ClinVar:

NM_032043.3(BRIP1):c.360_365del (p.Thr121_Ser122del)

Gene: BRIP1 (BRCA1 interacting DNA helicase 1; minus strand). Cytogenetic location: 17q23.2.
Variant type: Deletion.
Coding change: c.360_365del on transcript NM_032043.3 (MANE Select); coding-DNA positions 360 to 365, 6 bases deleted (CACTTC; older notation c.360_365delCACTTC).
Protein change: p.Thr121_Ser122del.
Molecular consequence: inframe deletion.
Genome position (GRCh38, 1-based): chr17:61,857,072-61,857,077, GAAGTG deleted on the plus strand (CACTTC on the coding strand, the reverse complement: BRIP1 is on the minus strand). VCF-style (leftmost placement, unchanged base first): chr17-61857071-TGAAGTG-T. GRCh37 (hg19) VCF-style: chr17-59934432-TGAAGTG-T.
Identifiers: ClinVar variation 3228132 (VCV003228132.1), dbSNP rs2545457960, ClinGen allele CA2825002581.

ClinVar aggregate classification (germline): Uncertain significance (1 of 4 stars; one submission).

Conditions:
Hereditary cancer-predisposing syndrome. Also called: Neoplastic Syndromes, Hereditary; Tumor predisposition; Hereditary neoplastic syndrome; Hereditary Cancer Syndrome. Identifiers: Orphanet 140162, MedGen C0027672, MeSH D009386, MONDO:0015356.

Submission:

Ambry Genetics
Classification: Uncertain significance for Hereditary cancer-predisposing syndrome. Last evaluated: 2023-10-12. Review status: criteria provided, single submitter. Criteria: Ambry Variant Classification Scheme 2023. Collection method: clinical testing. Allele origin: germline.
Comment: The c.360_365delCACTTC variant (also known as p.T121_S122del) is located in coding exon 3 of the BRIP1 gene. This variant results from an in-frame CACTTC deletion at nucleotide positions 360 to 365. This results in the in-frame deletion of a threonine and a serine at codons 121 to 122. This amino acid region is not well conserved in available vertebrate species. In addition, the in silico prediction for this alteration is inconclusive (Choi Y et al. PLoS ONE. 2012; 7(10):e46688). Since supporting evidence is limited at this time, the clinical significance of this alteration remains unclear.